The following is an entry in ClinVar:

ClinVar aggregate classification (germline): Uncertain significance. Review status: criteria provided, multiple submitters, no conflicts (2 of 4 stars). 2 submissions from 2 submitters: Uncertain significance (2). Last evaluated 2021-08-30.

Conditions:
ALG9 congenital disorder of glycosylation (CDG1L). Also called: CDG Il; ALG9-CDG; CONGENITAL DISORDER OF GLYCOSYLATION, TYPE Il. Identifiers: Orphanet 79328, MedGen C2931006, MONDO:0012117, OMIM 608776.
Cutis laxa with osteodystrophy (ARCL2A). Also called: Debré-Type Cutis Laxa; CUTIS LAXA WITH CONGENITAL DISORDER OF GLYCOSYLATION; CUTIS LAXA, AUTOSOMAL RECESSIVE, TYPE IIA; CUTIS LAXA WITH BONE DYSTROPHY; CUTIS LAXA WITH GROWTH AND DEVELOPMENTAL DELAY; CUTIS LAXA WITH JOINT LAXITY AND RETARDED DEVELOPMENT. Identifiers: Orphanet 357058, MedGen C0268355, MONDO:0018163, OMIM 219200. Disease mechanism: loss of function.

Allele frequency attached by ClinVar (database versions not stated): TOPMed 0.00003; gnomAD 0.00004; gnomAD exomes 0.00008 and 0.00014; 1000 Genomes Project 30x 0.00016; ExAC 0.00017; 1000 Genomes Project 0.00020.
gnomAD v4.1: 112 of 1,613,516 alleles (0.0069%); highest among the groups gnomAD compares: East Asian, 0.25%; no homozygotes.

Submissions (2):

Labcorp Genetics (formerly Invitae), Labcorp
Classification: Uncertain significance for ALG9 congenital disorder of glycosylation. Last evaluated: 2021-08-30. Review status: criteria provided, single submitter. Criteria: Invitae Variant Classification Sherloc (09022015). Collection method: clinical testing. Allele origin: germline.
Comment: This sequence change replaces glutamic acid with glycine at codon 264 of the ATP6V0A2 protein (p.Glu264Gly). The glutamic acid residue is moderately conserved and there is a moderate physicochemical difference between glutamic acid and glycine. This variant is present in population databases (rs201247720, ExAC 0.2%). This variant has not been reported in the literature in individuals affected with ATP6V0A2-related conditions. Algorithms developed to predict the effect of missense changes on protein structure and function are either unavailable or do not agree on the potential impact of this missense change (SIFT: "Tolerated"; PolyPhen-2: "Possibly Damaging"; Align-GVGD: "Class C0"). In summary, the available evidence is currently insufficient to determine the role of this variant in disease. Therefore, it has been classified as a Variant of Uncertain Significance.

Illumina Laboratory Services, Illumina
Classification: Uncertain significance for Cutis laxa with osteodystrophy. Last evaluated: 2018-01-12. Review status: criteria provided, single submitter. Criteria: ICSL Variant Classification Criteria 13 December 2019. Collection method: clinical testing. Allele origin: germline.

NM_012463.4(ATP6V0A2):c.791A>G (p.Glu264Gly)

Gene: ATP6V0A2 (ATPase H+ transporting V0 subunit a2; plus strand). Cytogenetic location: 12q24.31.
Variant type: single nucleotide variant.
Coding change: c.791A>G on transcript NM_012463.4 (MANE Select); coding-DNA position 791, A replaced by G.
Protein change: p.Glu264Gly; replaces glutamic acid 264 with glycine.
Molecular consequence: missense variant.
Genome position (GRCh38, 1-based): chr12:123,735,590, A>G. VCF-style: chr12-123735590-A-G. GRCh37 (hg19) VCF-style: chr12-124220137-A-G.
Other names: short protein forms E264G.
Identifiers: ClinVar variation 880544 (VCV000880544.9), dbSNP rs201247720, ClinGen allele CA6861735.
Genomic context (GRCh38, chr12:123,735,590, plus strand): 5'-GCTACCACTGCCACGTGTACCCCTATCCAAACACAGCCGAGGAGCGGAGGGAGATCCAGG[A>G]GGGGCTGAACACCCGCATCCAGGATCTCTACACTGTGAGTAAGCTGGAAGTGGATTGCCT-3'
Protein context (NP_036595.2, residues 254-274): NTAEERREIQ[Glu264Gly]GLNTRIQDLY